The following is an entry in ClinVar:

NM_198999.3(SLC26A5):c.2206A>C (p.Asn736His)

Gene: SLC26A5 (solute carrier family 26 member 5; minus strand). Cytogenetic location: 7q22.1.
Variant type: single nucleotide variant.
Coding change: c.2206A>C on transcript NM_198999.3 (MANE Select); coding-DNA position 2206, A replaced by C.
Protein change: p.Asn736His; replaces asparagine 736 with histidine.
Molecular consequence: missense variant. On other transcripts: intron variant (4), non-coding transcript variant (4).
Genome position (GRCh38, 1-based): chr7:103,374,428, T>G on the plus strand (A>C on the coding strand, the complement: SLC26A5 is on the minus strand). VCF-style: chr7-103374428-T-G. GRCh37 (hg19) VCF-style: chr7-103014875-T-G.
Other names: c.2041+2380A>C (NM_206883.3); c.2110A>C, p.Asn704His (NM_001167962.2); c.972-21502A>C (NM_206885.3); c.1945+2380A>C (NM_001321787.2); c.1514+14580A>C (NM_206884.3); short protein forms N736H, N704H.
Identifiers: ClinVar variation 1353027 (VCV001353027.6), dbSNP rs1821193743, ClinGen allele CA368749517.

ClinVar aggregate classification (germline): Uncertain significance (1 of 4 stars; one submission).

Submission:

Labcorp Genetics (formerly Invitae), Labcorp
Classification: Uncertain significance. Last evaluated: 2022-08-31. Review status: criteria provided, single submitter. Criteria: Invitae Variant Classification Sherloc (09022015). Collection method: clinical testing. Allele origin: germline.
Comment: Advanced modeling of protein sequence and biophysical properties (such as structural, functional, and spatial information, amino acid conservation, physicochemical variation, residue mobility, and thermodynamic stability) performed at Invitae indicates that this missense variant is not expected to disrupt SLC26A5 protein function. In summary, the available evidence is currently insufficient to determine the role of this variant in disease. Therefore, it has been classified as a Variant of Uncertain Significance. ClinVar contains an entry for this variant (Variation ID: 1353027). This variant has not been reported in the literature in individuals affected with SLC26A5-related conditions. This variant is not present in population databases (gnomAD no frequency). This sequence change replaces asparagine, which is neutral and polar, with histidine, which is basic and polar, at codon 736 of the SLC26A5 protein (p.Asn736His).